The following is an entry in ClinVar:

ClinVar aggregate classification (germline): Conflicting classifications of pathogenicity. Review status: criteria provided, conflicting classifications (1 of 4 stars). 3 submissions from 3 submitters: Uncertain significance (2); Likely benign (1). Last evaluated 2023-03-23.

Conditions:
Hereditary cancer-predisposing syndrome. Also called: Neoplastic Syndromes, Hereditary; Tumor predisposition; Hereditary neoplastic syndrome; Hereditary Cancer Syndrome. Identifiers: Orphanet 140162, MedGen C0027672, MeSH D009386, MONDO:0015356.

Submissions (3):

University of Washington Department of Laboratory Medicine, University of Washington
Classification: Likely benign for Hereditary cancer-predisposing syndrome. Last evaluated: 2023-03-23. Review status: criteria provided, single submitter. Criteria: Dines et al. (Genet Med. 2020). Collection method: curation. Allele origin: germline.
Comment: Missense variant in a coldspot region where missense variants are very unlikely to be pathogenic (PMID:31911673).

BRCA1 coldspot (exon 11 using historical exon numbering). Reclassification based on statistical prior probability

Ambry Genetics
Classification: Uncertain significance for Hereditary cancer-predisposing syndrome. Last evaluated: 2019-11-26. Review status: criteria provided, single submitter. Criteria: Ambry Variant Classification Scheme 2023. Collection method: clinical testing. Allele origin: germline.
Comment: The p.N1355S variant (also known as c.4064A>G), located in coding exon 9 of the BRCA1 gene, results from an A to G substitution at nucleotide position 4064. The asparagine at codon 1355 is replaced by serine, an amino acid with highly similar properties. This amino acid position is not well conserved in available vertebrate species. In addition, this alteration is predicted to be tolerated by in silico analysis. Since supporting evidence is limited at this time, the clinical significance of this alteration remains unclear.

Color Diagnostics, LLC DBA Color Health
Classification: Uncertain significance for Hereditary cancer-predisposing syndrome. Last evaluated: 2019-04-06. Review status: criteria provided, single submitter. Criteria: ACMG Guidelines, 2015. Collection method: clinical testing. Allele origin: germline.

NM_007294.4(BRCA1):c.4064A>G (p.Asn1355Ser)

Genes: BRCA1 (BRCA1 DNA repair associated; minus strand), LOC126862571 (BRD4-independent group 4 enhancer GRCh37_chr17:41243136-41244335; plus strand). Cytogenetic location: 17q21.31.
Variant type: single nucleotide variant.
Coding change: c.4064A>G on transcript NM_007294.4 (MANE Select); coding-DNA position 4064, A replaced by G.
Protein change: p.Asn1355Ser; replaces asparagine 1355 with serine.
Molecular consequence: missense variant. On other transcripts: intron variant (135).
Genome position (GRCh38, 1-based): chr17:43,091,467, T>C on the plus strand (A>G on the coding strand, the complement: BRCA1 is on the minus strand). VCF-style: chr17-43091467-T-C. GRCh37 (hg19) VCF-style: chr17-41243484-T-C.
Other names: c.671-435A>G (NM_001408418.1, NM_001408423.1, NM_001408420.1 and 2 more transcripts); c.788-435A>G (NM_001407981.1, NM_007298.4, NM_001407978.1 and 17 more transcripts); c.644-435A>G (NM_001408462.1, NM_001408470.1, NM_001408464.1 and 3 more transcripts); c.710-435A>G (NM_001408414.1, NM_001408411.1, NM_001408415.1 and 2 more transcripts); c.578-435A>G (NM_001408514.1, NM_001408485.1, NM_001408483.1 and 9 more transcripts); c.662-435A>G (NM_001408447.1, NM_001408433.1, NM_001408446.1 and 6 more transcripts); c.785-435A>G (NM_001408400.1, NM_001408392.1, NM_001407986.1 and 13 more transcripts); c.665-435A>G (NM_001408441.1, NM_001408437.1, NM_001408429.1 and 12 more transcripts); and 41 more; short protein forms N1355S, N1308S, N1227S, N1243S, N1284S, N1287S, N1314S, N1329S.
Identifiers: ClinVar variation 629008 (VCV000629008.8), dbSNP rs1567789081, ClinGen allele CA10593833.